The following is an entry in ClinVar:

ClinVar aggregate classification (germline): Benign. Review status: criteria provided, multiple submitters, no conflicts (2 of 4 stars). 4 submissions from 4 submitters: Benign (4). Last evaluated 2024-01-24.

Conditions:
Leukocyte adhesion deficiency 1 (LAD1). Also called: LEUKOCYTE ADHESION DEFICIENCY, TYPE I; LAD 1; Lymphocyte function-associated antigen 1 immunodeficiency; LFA 1 immunodeficiency. Identifiers: Orphanet 2968, Orphanet 99842, MedGen C0398738, MONDO:0007293, OMIM 116920.

Allele frequency attached by ClinVar (database versions not stated): TOPMed 0.10652; 1000 Genomes Project 30x 0.15771; 1000 Genomes Project 0.15835.
gnomAD v4.1: 165,474 of 1,606,046 alleles (10%); highest among the groups gnomAD compares: East Asian, 38%; 11,760 homozygotes.

Submissions (4):

Unidad de Genómica Garrahan, Hospital de Pediatría Garrahan
Classification: Benign. Last evaluated: 2024-01-24. Review status: criteria provided, single submitter. Criteria: ACMG Guidelines, 2015. Collection method: clinical testing. Allele origin: germline. Affected: no. Observed: 32 variant alleles.
Comment: This variant is classified as Benign based on local population frequency. This variant was detected in 34% of patients studied by a panel of primary immunodeficiencies. Number of patients: 32. Only high quality variants are reported.

Genomic Research Center, Shahid Beheshti University of Medical Sciences
Classification: Benign for Leukocyte adhesion deficiency 1. Last evaluated: 2020-05-03. Review status: criteria provided, single submitter. Criteria: ACMG Guidelines, 2015. Collection method: clinical testing. Allele origin: unknown.

GeneDx
Classification: Benign. Last evaluated: 2015-03-03. Review status: criteria provided, single submitter. Criteria: GeneDx Variant Classification Process June 2021. Collection method: clinical testing. Allele origin: germline. Affected: yes.

Breakthrough Genomics
Classification: Benign. Review status: criteria provided, single submitter. Criteria: ACMG Guidelines, 2015. Collection method: not provided. Allele origin: germline. Inheritance: Autosomal recessive inheritance. Affected: yes.

NM_000211.5(ITGB2):c.2247+57C>T

Gene: ITGB2 (integrin subunit beta 2; minus strand). Cytogenetic location: 21q22.3.
Variant type: single nucleotide variant.
Coding change: c.2247+57C>T on transcript NM_000211.5 (MANE Select); 57 bases into the intron after coding-DNA position 2247, C replaced by T.
Molecular consequence: intron variant.
Genome position (GRCh38, 1-based): chr21:44,886,679, G>A on the plus strand (C>T on the coding strand, the complement: ITGB2 is on the minus strand). VCF-style: chr21-44886679-G-A. GRCh37 (hg19) VCF-style: chr21-46306594-G-A.
Other names: c.2247+57C>T (NM_001127491.3); c.2040+57C>T (NM_001303238.2).
Identifiers: ClinVar variation 100751 (VCV000100751.8), dbSNP rs33973568, ClinGen allele CA249763.